The following is an entry in ClinVar:

NM_206926.2(SELENON):c.953G>A (p.Ser318Asn)

Gene: SELENON (selenoprotein N; plus strand). Cytogenetic location: 1p36.11.
Variant type: single nucleotide variant.
Coding change: c.953G>A on transcript NM_206926.2 (MANE Select); coding-DNA position 953, G replaced by A.
Protein change: p.Ser318Asn; replaces serine 318 with asparagine.
Molecular consequence: missense variant.
Genome position (GRCh38, 1-based): chr1:25,811,498, G>A. VCF-style: chr1-25811498-G-A. GRCh37 (hg19) VCF-style: chr1-26137989-G-A.
Other names: c.1055G>A, p.Ser352Asn (NM_020451.3); short protein forms S318N, S352N.
Identifiers: ClinVar variation 1375418 (VCV001375418.7), dbSNP rs749342493, ClinGen allele CA696730.

ClinVar aggregate classification (germline): Uncertain significance (1 of 4 stars; one submission).

Conditions:
Eichsfeld type congenital muscular dystrophy (CMYO3). Also called: MYOPATHY, SEPN1-RELATED; SELENON-related myopathy; Congenital myopathy 3 with rigid spine; Rigid spine muscular dystrophy 1. Identifiers: MedGen C0410180, MONDO:0100100, OMIM 602771.

Allele frequency attached by ClinVar (database versions not stated): gnomAD exomes 0.00002 and 0.00001; gnomAD 0.00001; ExAC 0.00002; TOPMed 0.00002.

Submission:

Labcorp Genetics (formerly Invitae), Labcorp
Classification: Uncertain significance for Eichsfeld type congenital muscular dystrophy. Last evaluated: 2022-06-20. Review status: criteria provided, single submitter. Criteria: Invitae Variant Classification Sherloc (09022015). Collection method: clinical testing. Allele origin: germline.
Comment: In summary, the available evidence is currently insufficient to determine the role of this variant in disease. Therefore, it has been classified as a Variant of Uncertain Significance. Algorithms developed to predict the effect of missense changes on protein structure and function (SIFT, PolyPhen-2, Align-GVGD) all suggest that this variant is likely to be tolerated. This variant has not been reported in the literature in individuals affected with SELENON-related conditions. This variant is present in population databases (rs749342493, gnomAD 0.003%). This sequence change replaces serine, which is neutral and polar, with asparagine, which is neutral and polar, at codon 352 of the SELENON protein (p.Ser352Asn).